The following is an entry in ClinVar:

ClinVar aggregate classification (germline): Likely benign. Review status: criteria provided, multiple submitters, no conflicts (2 of 4 stars). 2 submissions from 2 submitters: Likely benign (2). Last evaluated 2018-06-19.

Allele frequency attached by ClinVar (database versions not stated): gnomAD 0.00782 and 0.00826; TOPMed 0.00886; 1000 Genomes Project 0.01078.
gnomAD v4.1: 2,296 of 1,518,196 alleles (0.15%); highest among the groups gnomAD compares: African/African-American, 2.7%; 24 homozygotes.

Submissions (2):

GeneDx
Classification: Likely benign. Last evaluated: 2018-06-19. Review status: criteria provided, single submitter. Criteria: GeneDx Variant Classification (06012015). Collection method: clinical testing. Allele origin: germline. Affected: yes.
Comment: This variant is considered likely benign or benign based on one or more of the following criteria: it is a conservative change, it occurs at a poorly conserved position in the protein, it is predicted to be benign by multiple in silico algorithms, and/or has population frequency not consistent with disease.

Breakthrough Genomics
Classification: Likely benign. Review status: criteria provided, single submitter. Criteria: ACMG Guidelines, 2015. Collection method: not provided. Allele origin: germline. Inheritance: Autosomal recessive inheritance. Affected: yes.

NM_001848.3(COL6A1):c.228-57G>A

Gene: COL6A1 (collagen type VI alpha 1 chain; plus strand). Cytogenetic location: 21q22.3.
Variant type: single nucleotide variant.
Coding change: c.228-57G>A on transcript NM_001848.3 (MANE Select); 57 bases into the intron before coding-DNA position 228, G replaced by A.
Molecular consequence: intron variant.
Genome position (GRCh38, 1-based): chr21:45,984,212, G>A. VCF-style: chr21-45984212-G-A. GRCh37 (hg19) VCF-style: chr21-47404126-G-A.
Identifiers: ClinVar variation 679577 (VCV000679577.2), dbSNP rs79487056, ClinGen allele CA321954845.
Genomic context (GRCh38, chr21:45,984,212, plus strand): 5'-TGTCAGCCACGGCCAGGGTGGGGCAGCCTGTCCATCTGGGTGACGTCGCGCCCTGGGACG[G>A]GTAGCGATGGCGCCAGGGGCCGCCCGCCTCACGCCCGCCGTGCCTGTTCCTGGCAGGTAC-3'